The following is an entry in ClinVar:

NM_006231.4(POLE):c.3459+13T>G

Gene: POLE (DNA polymerase epsilon, catalytic subunit; minus strand). Cytogenetic location: 12q24.33.
Variant type: single nucleotide variant.
Coding change: c.3459+13T>G on transcript NM_006231.4 (MANE Select); 13 bases into the intron after coding-DNA position 3459, T replaced by G.
Molecular consequence: intron variant.
Genome position (GRCh38, 1-based): chr12:132,657,336, A>C on the plus strand (T>G on the coding strand, the complement: POLE is on the minus strand). VCF-style: chr12-132657336-A-C. GRCh37 (hg19) VCF-style: chr12-133233922-A-C.
Identifiers: ClinVar variation 382780 (VCV000382780.8), dbSNP rs372587100, ClinGen allele CA6893226.

ClinVar aggregate classification (germline): Likely benign. Review status: criteria provided, multiple submitters, no conflicts (2 of 4 stars). 2 submissions from 2 submitters: Likely benign (2). Last evaluated 2025-12-31.

Allele frequency attached by ClinVar (database versions not stated): ExAC 0.00001; gnomAD exomes 0.00001; gnomAD 0.00003 and 0.00004; TOPMed 0.00003; ESP Exome Variant Server 0.00008.
gnomAD v4.1: 4 of 1,613,718 alleles (0.00025%); highest among the groups gnomAD compares: African/African-American, 0.0053%; no homozygotes.

Submissions (2):

Labcorp Genetics (formerly Invitae), Labcorp
Classification: Likely benign. Last evaluated: 2025-12-31. Review status: criteria provided, single submitter. Criteria: Invitae Variant Classification Sherloc (09022015). Collection method: clinical testing. Allele origin: germline.

GeneDx
Classification: Likely benign. Last evaluated: 2016-01-05. Review status: criteria provided, single submitter. Criteria: GeneDx Variant Classification (06012015). Collection method: clinical testing. Allele origin: germline. Affected: yes.
Comment: This variant is considered likely benign or benign based on one or more of the following criteria: it is a conservative change, it occurs at a poorly conserved position in the protein, it is predicted to be benign by multiple in silico algorithms, and/or has population frequency not consistent with disease.